The following is an entry in ClinVar:

NM_017866.6(TMEM70):c.446del (p.Gly149fs)

Gene: TMEM70 (transmembrane protein 70; plus strand). Cytogenetic location: 8q21.11.
Variant type: Deletion.
Coding change: c.446del on transcript NM_017866.6 (MANE Select); coding-DNA position 446, one base deleted (G; older notation c.446delG).
Protein change: p.Gly149fs; shifts the reading frame from glycine 149.
Molecular consequence: frameshift variant. On other transcripts: 3 prime UTR variant (1), non-coding transcript variant (1).
Genome position (GRCh38, 1-based): chr8:73,981,284, G deleted; the last of 3 consecutive G bases (chr8:73,981,282-73,981,284); deleting any one gives the same sequence. VCF-style (leftmost placement, unchanged base first): chr8-73981281-TG-T. GRCh37 (hg19) VCF-style: chr8-74893516-TG-T.
Other names: c.*136del (NM_001040613.3); c.446delG (NM_017866.6); short protein forms G149fs.
Identifiers: ClinVar variation 4688749 (VCV004688749.2).

ClinVar aggregate classification (germline): Pathogenic/Likely pathogenic. Review status: criteria provided, multiple submitters, no conflicts (2 of 4 stars). 2 submissions from 2 submitters: Pathogenic (1); Likely pathogenic (1). Last evaluated 2025-12-29.

Conditions:
Mitochondrial complex V (ATP synthase) deficiency, nuclear type 2. Also called: ENCEPHALOCARDIOMYOPATHY, MITOCHONDRIAL, NEONATAL, DUE TO ATP SYNTHASE DEFICIENCY; MITOCHONDRIAL COMPLEX V (ATP SYNTHASE) DEFICIENCY, TMEM70 TYPE; Nuclear-Encoded ATPase Deficiency, TMEM70-Related. Identifiers: Orphanet 1194, MedGen C3279699, MONDO:0013546, OMIM 614052.
TMEM70-related disorder. Also called: TMEM70-related condition.

Submissions (2):

Women's Health and Genetics/Laboratory Corporation of America, LabCorp
Classification: Pathogenic for Mitochondrial complex V (ATP synthase) deficiency, nuclear type 2. Last evaluated: 2025-12-29. Review status: criteria provided, single submitter. Criteria: LabCorp Variant Classification Summary - May 2015. Collection method: clinical testing. Allele origin: germline.
Comment: Variant summary: TMEM70 c.446delG (p.Gly149GlufsX5) results in a premature termination codon, predicted to cause a truncation of the encoded protein. Although nonsense mediated decay is not predicted, pathogenic variants have been observed downstream. The variant allele was found at a frequency of 4e-06 in 251454 control chromosomes. To our knowledge, no occurrence of c.446delG in individuals affected with TMEM70-related conditions and no experimental evidence demonstrating its impact on protein function have been reported. No submitters have cited clinical-significance assessments for this variant to ClinVar. Based on the evidence outlined above, the variant was classified as pathogenic.

Blueprint Genetics
Classification: Likely pathogenic for TMEM70-related disorders. Last evaluated: 2023-01-23. Review status: criteria provided, single submitter. Criteria: ACMG Guidelines, 2015. Collection method: clinical testing. Allele origin: germline. Affected: yes. Observed: 4 variant alleles.